The following is an entry in ClinVar:

ClinVar aggregate classification (germline): Pathogenic (1 of 4 stars; one submission).

Submission:

ARUP Laboratories, Molecular Genetics and Genomics, ARUP Laboratories
Classification: Pathogenic. Last evaluated: 2019-11-03. Review status: criteria provided, single submitter. Criteria: ARUP Molecular Germline Variant Investigation Process. Collection method: clinical testing. Allele origin: germline.
Comment: The Hb Saint Etienne/Hb Istanbul variant (HBB: [c.279C>A or c.279C>G]; p.His93Gln, also known as His92Gln when numbered from the mature protein, rs34083951), is described in individuals with varying degrees of anemia, as well as in a family presenting with deep vein thrombosis and a strong family history of hemolytic anemia (see link to HbVar and references therein, Aksoy 1972, Au 2009). This variant is also reported in ClinVar (Variation ID: 15208). It is absent from general population databases (1000 Genomes Project, Exome Variant Server, and Genome Aggregation Database), indicating it is not a common polymorphism. Functional characterization of the variant protein indicates reduced hemoglobin stability with increased dissociation into dimers and precipitation in hemolysate (see link to HbVar and references therein, Aksoy 1972), an effect that has also been observed with another variant at this codon (His93Tyr; Bird 1988, Stamatoyannopoulos 1976). Additionally, other variants at this codon (His93Asn, His93Pro) have been described in individuals and families with chronic anemia (Finney 1975, Wajcman 1991). Based on available information, the Hb Saint Etienne/Hb Istanbul variant is considered to be pathogenic. REFERENCES Link to HbVar for Hb Saint Etienne: Aksoy M et al. Hemoglobin Istanbul: substitution of glutamine for histidine in a proximal histidine (F8(92) ). J Clin Invest. 1972 Sep;51(9):2380-7. Au N et al. Two new examples of Hb St. Etienne [beta 92(F8)HisGln] in association with venous thrombosis. Hemoglobin. 2009;33(2):95-100. Bird A et al. Haemoglobin M-Hyde Park associated with polyagglutinable red blood cells in a South African family. Br J Haematol. 1988;68(4):459-64. Finney R et al. Hb Newcastle: beta92 (F8) His replaced by Pro. FEBS Lett. 1975 Dec 15;60(2):435-8. Stamatoyannopoulos G et al. Haemoglobin M Hyde Park occurring as a fresh mutation: diagnostic, structural, and genetic considerations. J Med Genet. 1976;13(2):142-7. Wajcman H et al. Hemoglobin Redondo [beta 92(F8) His----Asn]: an unstable hemoglobin variant associated with heme loss which occurs in two forms. Am J Hematol. 1991 Nov;38(3):194-200.

NM_000518.5(HBB):c.279C>A (p.His93Gln)

Genes: HBB (hemoglobin subunit beta; minus strand), LOC106099062 (HBB recombination region; plus strand), LOC107133510 (origin of replication at HBB; plus strand). Cytogenetic location: 11p15.4.
Variant type: single nucleotide variant.
Coding change: c.279C>A on transcript NM_000518.5 (MANE Select); coding-DNA position 279, C replaced by A.
Protein change: p.His93Gln; replaces histidine 93 with glutamine.
Molecular consequence: missense variant.
Genome position (GRCh38, 1-based): chr11:5,226,613, G>T on the plus strand (C>A on the coding strand, the complement: HBB is on the minus strand). VCF-style: chr11-5226613-G-T. GRCh37 (hg19) VCF-style: chr11-5247843-G-T.
Other names: short protein forms H93Q.
Identifiers: ClinVar variation 811500 (VCV000811500.9), dbSNP rs34083951, ClinGen allele CA217113625.